The following is an entry in ClinVar:

NM_001347721.2(DYRK1A):c.1072-2A>C

Gene: DYRK1A (dual specificity tyrosine phosphorylation regulated kinase 1A; plus strand). Cytogenetic location: 21q22.13.
Variant type: single nucleotide variant.
Coding change: c.1072-2A>C on transcript NM_001347721.2 (MANE Select); the canonical splice acceptor site of the intron before coding-DNA position 1072, A replaced by C.
Molecular consequence: splice acceptor variant.
Genome position (GRCh38, 1-based): chr21:37,496,116, A>C. VCF-style: chr21-37496116-A-C. GRCh37 (hg19) VCF-style: chr21-38868418-A-C.
Other names: c.1099-2A>C (NM_001396.5, NM_101395.2, NM_130438.2); c.1072-2A>C (NM_001347722.2, NM_130436.2); c.985-2A>C (NM_001347723.2).
Identifiers: ClinVar variation 3062032 (VCV003062032.1), dbSNP rs2053260627, ClinGen allele CA409936697.

ClinVar aggregate classification (germline): Pathogenic (1 of 4 stars; one submission).

Conditions:
DYRK1A-related intellectual disability syndrome (MRD7). Also called: DYRK1A Syndrome; Intellectual developmental disorder, autosomal dominant 7. Identifiers: Orphanet 464306, MedGen C5568143, MONDO:0013578, OMIM 614104.

Submission:

Illumina Laboratory Services, Illumina
Classification: Pathogenic for DYRK1A-related intellectual disability syndrome. Last evaluated: 2017-09-12. Review status: criteria provided, single submitter. Criteria: ICSLVariantClassificationCriteria RUGD 01 April 2020. Collection method: clinical testing. Allele origin: unknown.
Comment: The DYRK1A c.1099-2A>C variant results in a substitution at the consensus splice acceptor site, which may result in splicing defects. To our knowledge, this variant has not been reported in the peer-reviewed literature. This variant is not observed in version 2.1.1 or version 3.1.2 of the Genome Aggregation Database. Based on the available evidence, the c.1099-2A>C variant is classified as pathogenic for intellectual developmental disorder, autosomal dominant.